The following is an entry in ClinVar:

NM_001318510.2(ACSL4):c.1425A>C (p.Arg475Ser)

Gene: ACSL4 (acyl-CoA synthetase long chain family member 4; minus strand). Cytogenetic location: Xq23.
Variant type: single nucleotide variant.
Coding change: c.1425A>C on transcript NM_001318510.2 (MANE Select); coding-DNA position 1425, A replaced by C.
Protein change: p.Arg475Ser; replaces arginine 475 with serine.
Molecular consequence: missense variant.
Genome position (GRCh38, 1-based): chrX:109,663,368, T>G on the plus strand (A>C on the coding strand, the complement: ACSL4 is on the minus strand). VCF-style: chrX-109663368-T-G. GRCh37 (hg19) VCF-style: chrX-108906597-T-G.
Other names: c.1548A>C, p.Arg516Ser (NM_001318509.2, NM_001437245.1, NM_001437247.1 and 2 more transcripts); c.1425A>C, p.Arg475Ser (NM_001437250.1, NM_001437251.1, NM_001437252.1 and 2 more transcripts); short protein forms R475S, R516S.
Identifiers: ClinVar variation 4538079 (VCV004538079.1).

ClinVar aggregate classification (germline): Uncertain significance (1 of 4 stars; one submission).

Submission:

GeneDx
Classification: Uncertain significance. Last evaluated: 2025-06-09. Review status: criteria provided, single submitter. Criteria: GeneDx Variant Classification Process June 2021. Collection method: clinical testing. Allele origin: germline. Affected: yes.
Comment: Not observed at significant frequency in large population cohorts (gnomAD); In silico analysis supports that this missense variant has a deleterious effect on protein structure/function; Has not been previously published as pathogenic or benign to our knowledge